The following is an entry in ClinVar:

ClinVar aggregate classification (germline): Uncertain significance (1 of 4 stars; one submission).

Submission:

Labcorp Genetics (formerly Invitae), Labcorp
Classification: Uncertain significance. Last evaluated: 2025-07-21. Review status: criteria provided, single submitter. Criteria: Invitae Variant Classification Sherloc (09022015). Collection method: clinical testing. Allele origin: germline.
Comment: This sequence change replaces histidine, which is basic and polar, with glutamine, which is neutral and polar, at codon 136 of the RIPK1 protein (p.His136Gln). This variant is not present in population databases (gnomAD no frequency). This variant has not been reported in the literature in individuals affected with RIPK1-related conditions. An algorithm developed to predict the effect of missense changes on protein structure and function (PolyPhen-2) suggests that this variant is likely to be disruptive. In summary, the available evidence is currently insufficient to determine the role of this variant in disease. Therefore, it has been classified as a Variant of Uncertain Significance.

NM_001354930.2(RIPK1):c.408C>G (p.His136Gln)

Gene: RIPK1 (receptor interacting serine/threonine kinase 1; plus strand). Cytogenetic location: 6p25.2.
Variant type: single nucleotide variant.
Coding change: c.408C>G on transcript NM_001354930.2 (MANE Select); coding-DNA position 408, C replaced by G.
Protein change: p.His136Gln; replaces histidine 136 with glutamine.
Molecular consequence: missense variant. On other transcripts: 5 prime UTR variant (4), intron variant (1).
Genome position (GRCh38, 1-based): chr6:3,081,065, C>G. VCF-style: chr6-3081065-C-G. GRCh37 (hg19) VCF-style: chr6-3081299-C-G.
Other names: c.-196C>G (NM_001317061.3, NM_001354932.2, NM_001354933.2 and 1 more transcripts); c.408C>G, p.His136Gln (NM_003804.6); c.322-2020C>G (NM_001354931.2); short protein forms H136Q.
Identifiers: ClinVar variation 4761286 (VCV004761286.1).
Genomic context (GRCh38, chr6:3,081,065, plus strand): 5'-AAGGATAATTTTGGAAATCATTGAAGGAATGTGCTACTTACATGGAAAAGGCGTGATACA[C>G]AAGGACCTGAAGCCTGAAAATATCCTTGTTGATAATGACTTCCACATTAAGGTAAACCAT-3'
Protein context (NP_001341859.1, residues 126-146): MCYLHGKGVI[His136Gln]KDLKPENILV